The following is an entry in ClinVar:

NM_033380.3(COL4A5):c.2543C>T (p.Pro848Leu)

Gene: COL4A5 (collagen type IV alpha 5 chain; plus strand). Cytogenetic location: Xq22.3.
Variant type: single nucleotide variant.
Coding change: c.2543C>T on transcript NM_033380.3 (MANE Select); coding-DNA position 2543, C replaced by T.
Protein change: p.Pro848Leu; replaces proline 848 with leucine.
Molecular consequence: missense variant.
Genome position (GRCh38, 1-based): chrX:108,620,292, C>T. VCF-style: chrX-108620292-C-T. GRCh37 (hg19) VCF-style: chrX-107863522-C-T.
Other names: c.2543C>T, p.Pro848Leu (NM_000495.5); short protein forms P848L.
Identifiers: ClinVar variation 2627794 (VCV002627794.2), dbSNP rs2524395524, ClinGen allele CA413851320.

ClinVar aggregate classification (germline): Uncertain significance (1 of 4 stars; one submission).

Conditions:
X-linked Alport syndrome (ATS1). Also called: NEPHROPATHY AND DEAFNESS, X-LINKED; COL4A5-Related Nephropathy. Identifiers: Orphanet 63, Orphanet 88917, MedGen C4746986, MONDO:0010520, OMIM 301050.

Submission:

Center for Human Genetics and Genomic Medicine, Uniklinik Rwth Aachen
Classification: Uncertain significance for X-linked Alport syndrome. Last evaluated: 2023-08-22. Review status: criteria provided, single submitter. Criteria: ACMG Guidelines, 2015. Collection method: clinical testing. Allele origin: maternal. Inheritance: X-linked inheritance. Affected: yes. Observed: 1 heterozygote.
Comment: The detected change is not reported in the general population (gnomAD) (as of August 22, 2023). The change has not yet been described in ClinVar or the literature. From a bioinformatic perspective, the change is classified inconsistently as both “likely pathogenic” (CADDphred 22.8, SIFT) and as more benign (MutationTaster). Based on the current state of knowledge, the variant should be considered a “variant of uncertain clinical significance” (ACMG criteria).